The following is an entry in ClinVar:

ClinVar aggregate classification (germline): Uncertain significance. Review status: criteria provided, multiple submitters, no conflicts (2 of 4 stars). 3 submissions from 3 submitters: Uncertain significance (3). Last evaluated 2021-07-15.

Conditions:
Inborn genetic diseases. Identifiers: MedGen C0950123, MeSH D030342.
Developmental and epileptic encephalopathy, 25 (DEE25). Also called: Epileptic encephalopathy, early infantile, 25; Developmental and epileptic encephalopathy 25, with amelogenesis imperfecta; Epileptic encephalopathy, early infantile, 25, with amelogenesis imperfecta. Identifiers: Orphanet 442835, MedGen C4014621, MONDO:0014392, OMIM 615905.

Allele frequency attached by ClinVar (database versions not stated): TOPMed below 0.00001; gnomAD 0.00001.
gnomAD v4.1: 1 of 1,594,198 alleles (0.000063%); highest among the groups gnomAD compares: African/African-American, 0.0013%; no homozygotes.

Submissions (3):

Genome-Nilou Lab
Classification: Uncertain significance for Developmental and epileptic encephalopathy, 25. Last evaluated: 2021-07-15. Review status: criteria provided, single submitter. Criteria: ACMG Guidelines, 2015. Collection method: clinical testing. Allele origin: germline. Affected: no.

GeneDx
Classification: Uncertain significance. Last evaluated: 2017-06-21. Review status: criteria provided, single submitter. Criteria: GeneDx Variant Classification (06012015). Collection method: clinical testing. Allele origin: germline. Affected: yes.
Comment: A variant of uncertain significance has been identified in the SLC13A5 gene. The A168T variant has not been published as a pathogenic variant, nor has it been reported as a benign variant to our knowledge. The A168T variant is not observed in large population cohorts (Lek et al., 2016; 1000 Genomes Consortium et al., 2015; Exome Variant Server). The A168T variant is a non-conservative amino acid substitution, which is likely to impact secondary protein structure as these residues differ in polarity, charge, size and/or other properties. However, this substitution occurs at a position that is not conserved, and in silico analysis predicts this variant likely does not alter the protein structure/function. Therefore, based on the currently available information, it is unclear whether this variant is a pathogenic variant or a rare benign variant.

Ambry Genetics
Classification: Uncertain significance for Inborn genetic diseases. Last evaluated: 2016-08-12. Review status: criteria provided, single submitter. Criteria: Ambry Variant Classification Scheme 2023. Collection method: clinical testing. Allele origin: germline.
Comment: The p.A168T variant (also known as c.502G>A), located in coding exon 4 of the SLC13A5 gene, results from a G to A substitution at nucleotide position 502. The alanine at codon 168 is replaced by threonine, an amino acid with similar properties. This variant was not reported in population based cohorts in the following databases: Database of Single Nucleotide Polymorphisms (dbSNP), NHLBI Exome Sequencing Project (ESP), and 1000 Genomes Project. In the ESP, this variant was not observed in 6503 samples (13006 alleles) with coverage at this position. This amino acid position is not well conserved in available vertebrate species. In addition, this alteration is predicted to be tolerated by in silico analysis. Since supporting evidence is limited at this time, the clinical significance of this variant remains unclear.

NM_177550.5(SLC13A5):c.502G>A (p.Ala168Thr)

Gene: SLC13A5 (solute carrier family 13 member 5; minus strand). Cytogenetic location: 17p13.1.
Variant type: single nucleotide variant.
Coding change: c.502G>A on transcript NM_177550.5 (MANE Select); coding-DNA position 502, G replaced by A.
Protein change: p.Ala168Thr; replaces alanine 168 with threonine.
Molecular consequence: missense variant.
Genome position (GRCh38, 1-based): chr17:6,703,923, C>T on the plus strand (G>A on the coding strand, the complement: SLC13A5 is on the minus strand). VCF-style: chr17-6703923-C-T. GRCh37 (hg19) VCF-style: chr17-6607242-C-T.
Other names: c.502G>A, p.Ala168Thr (NM_001143838.3); c.451G>A, p.Ala151Thr (NM_001284509.2); c.373G>A, p.Ala125Thr (NM_001284510.2); short protein forms A168T, A125T, A151T.
Identifiers: ClinVar variation 432893 (VCV000432893.8), dbSNP rs1555542943, ClinGen allele CA397749995.